The following is an entry in ClinVar:

NM_000488.4(SERPINC1):c.363G>A (p.Met121Ile)

Gene: SERPINC1 (serpin family C member 1; minus strand). Cytogenetic location: 1q25.1.
Variant type: single nucleotide variant.
Coding change: c.363G>A on transcript NM_000488.4 (MANE Select); coding-DNA position 363, G replaced by A.
Protein change: p.Met121Ile; replaces methionine 121 with isoleucine.
Molecular consequence: missense variant.
Genome position (GRCh38, 1-based): chr1:173,914,598, C>T on the plus strand (G>A on the coding strand, the complement: SERPINC1 is on the minus strand). VCF-style: chr1-173914598-C-T. GRCh37 (hg19) VCF-style: chr1-173883736-C-T.
Other names: NM_000488.4(SERPINC1):c.363G>A; p.Met121Ile; c.219G>A, p.Met73Ile (NM_001365052.2); c.363G>A, p.Met121Ile (NM_001386302.1, NM_001386304.1, NM_001386305.1 and 1 more transcripts); c.444G>A, p.Met148Ile (NM_001386303.1); short protein forms M73I, M121I, M148I.
Identifiers: ClinVar variation 644952 (VCV000644952.5), dbSNP rs371222224, ClinGen allele CA1251434.

ClinVar aggregate classification (germline): Uncertain significance. Review status: reviewed by expert panel (3 of 4 stars). 2 submissions from 2 submitters: Uncertain significance (1). 1 of the submissions does not count toward it. Last evaluated 2025-09-19.

Conditions:
Hereditary antithrombin deficiency (AT3D). Also called: Reduced antithrombin III activity; Antithrombin III deficiency; Antithrombin deficiency; Thrombophilia due to antithrombin III deficiency. Identifiers: Orphanet 82, MedGen C0272375, MONDO:0013144, OMIM 613118, HP:0001976.

Allele frequency attached by ClinVar (database versions not stated): ExAC 0.00001; gnomAD 0.00001; TOPMed 0.00002; ESP Exome Variant Server 0.00008.

Submissions (2):

Clingen Thrombosis Variant Curation Expert Panel, ClinGen
Classification: Uncertain significance for Hereditary antithrombin deficiency. Last evaluated: 2025-09-19. Review status: reviewed by expert panel. Criteria: ClinGen ACMG Specifications SERPINC1 V1.0.0. Collection method: curation. Allele origin: germline. Inheritance: Autosomal dominant inheritance.
Comment: The c.363G>A (NM_000488.3) variant in SERPINC1 is a missense variant predicted to cause substitution of methionine by isoleucine at the highly conserved amino acid 121 (p.Met121Ile, also known as p.Met89Ile), which is located in an alpha-helix secondary structure in the serpin domain. In addition, an amino acid residue in the vicinity forms part of a disulfide bond (residue 127) and another undergoes glycosylation (residue 128). The variant is present in gnomAD v4.1.0 with a Grpmax MAF is <0.00002 (0.0000079), which meets criteria for PM2_supporting. The computational predictor REVEL gives a score of 0.835, which is above the threshold of 0.6, which correlates with a deleterious impact to SERPINC1 function (PP3). In summary, based on the evidence available at this time, the clinical significance of this variant is uncertain. ACMG/AMP criteria applied, as specified by the Thrombosis Variant Curation Expert Panel: PM2_supporting, PP3, PP4.

Labcorp Genetics (formerly Invitae), Labcorp
Classification: Uncertain significance for Hereditary antithrombin deficiency. Last evaluated: 2021-08-28. Review status: criteria provided, single submitter. Criteria: Invitae Variant Classification Sherloc (09022015). Collection method: clinical testing. Allele origin: germline. Not counted in ClinVar's aggregate classification.
Comment: This sequence change replaces methionine with isoleucine at codon 121 of the SERPINC1 protein (p.Met121Ile). The methionine residue is highly conserved and there is a small physicochemical difference between methionine and isoleucine. This variant is present in population databases (rs371222224, ExAC 0.001%). This missense change has been observed in individual(s) with antithrombin deficiency (PMID: 28300866). Algorithms developed to predict the effect of missense changes on protein structure and function are either unavailable or do not agree on the potential impact of this missense change (SIFT: "Deleterious"; PolyPhen-2: "Probably Damaging"; Align-GVGD: "Class C0"). In summary, the available evidence is currently insufficient to determine the role of this variant in disease. Therefore, it has been classified as a Variant of Uncertain Significance.

Literature cited by the submitters: PubMed 28300866 (cited by Labcorp Genetics (formerly Invitae), Labcorp).